The following is an entry in ClinVar:

ClinVar aggregate classification (germline): Pathogenic (1 of 4 stars; one submission).

Conditions:
Familial hemophagocytic lymphohistiocytosis 3 (FHL3). Also called: UNC13D-Related Familial Hemophagocytic Lymphohistiocytosis (UNC13D-fHLH). Identifiers: Orphanet 540, MedGen C1837174, MONDO:0012146, OMIM 608898.

Submission:

Labcorp Genetics (formerly Invitae), Labcorp
Classification: Pathogenic for Familial hemophagocytic lymphohistiocytosis 3. Last evaluated: 2023-03-02. Review status: criteria provided, single submitter. Criteria: Invitae Variant Classification Sherloc (09022015). Collection method: clinical testing. Allele origin: germline.
Comment: For these reasons, this variant has been classified as Pathogenic. This variant has not been reported in the literature in individuals affected with UNC13D-related conditions. This variant is not present in population databases (gnomAD no frequency). This sequence change creates a premature translational stop signal (p.Leu826Hisfs*22) in the UNC13D gene. It is expected to result in an absent or disrupted protein product. Loss-of-function variants in UNC13D are known to be pathogenic (PMID: 14622600).

Literature cited by the submitters: PubMed 14622600.

NM_199242.3(UNC13D):c.2475_2476dup (p.Leu826fs)

Gene: UNC13D (unc-13 homolog D; minus strand). Cytogenetic location: 17q25.1.
Variant type: Microsatellite.
Coding change: c.2475_2476dup on transcript NM_199242.3 (MANE Select); coding-DNA positions 2475 to 2476, 2 bases duplicated (AC; older notation c.2475_2476dupAC).
Protein change: p.Leu826fs; shifts the reading frame from leucine 826.
Molecular consequence: frameshift variant.
Genome position (GRCh38, 1-based): chr17:75,831,320-75,831,321, GT duplicated on the plus strand (AC on the coding strand, the reverse complement: UNC13D is on the minus strand); duplicating any 2 consecutive bases within chr17:75,831,320-75,831,326 gives the same sequence; the c. name uses the placement nearest the transcript's 3' end. VCF-style (leftmost placement, unchanged base first): chr17-75831319-A-AGT. GRCh37 (hg19) VCF-style: chr17-73827400-A-AGT.
Other names: short protein forms L826fs.
Identifiers: ClinVar variation 2842169 (VCV002842169.3), dbSNP rs2545977782, ClinGen allele CA501843529.